The following is an entry in ClinVar:

NM_138694.4(PKHD1):c.1847C>G (p.Ala616Gly)

Gene: PKHD1 (PKHD1 ciliary IPT domain containing fibrocystin/polyductin; minus strand). Cytogenetic location: 6p12.2.
Variant type: single nucleotide variant.
Coding change: c.1847C>G on transcript NM_138694.4 (MANE Select); coding-DNA position 1847, C replaced by G.
Protein change: p.Ala616Gly; replaces alanine 616 with glycine.
Molecular consequence: missense variant.
Genome position (GRCh38, 1-based): chr6:52,054,155, G>C on the plus strand (C>G on the coding strand, the complement: PKHD1 is on the minus strand). VCF-style: chr6-52054155-G-C. GRCh37 (hg19) VCF-style: chr6-51918953-G-C.
Other names: c.1847C>G, p.Ala616Gly (NM_170724.3); short protein forms A616G.
Identifiers: ClinVar variation 911359 (VCV000911359.8), dbSNP rs145855006, ClinGen allele CA3853411.
Genomic context (GRCh38, chr6:52,054,155, plus strand): 5'-TGAAAGCCGATTGTGAAGGACACAATCATCTTCAGGATCTTGTTCATGTGGCCTTTGTAT[G>C]CAAGACACAGCTATGGACACCAAATAAGTCCTTCAGTTCTATTAGTGCAAGAAGCAGTCA-3'
Protein context (NP_619639.3, residues 606-626): RLDQYTHLCL[Ala616Gly]YKGHMNKILK

ClinVar aggregate classification (germline): Uncertain significance. Review status: criteria provided, multiple submitters, no conflicts (2 of 4 stars). 5 submissions from 5 submitters: Uncertain significance (5). Last evaluated 2026-04-21.

Conditions:
Polycystic kidney disease 4 (PKD4). Also called: POLYCYSTIC KIDNEY DISEASE 4 WITH OR WITHOUT POLYCYSTIC LIVER DISEASE; POLYCYSTIC KIDNEY AND HEPATIC DISEASE 1; POLYCYSTIC KIDNEY DISEASE, INFANTILE, TYPE I; PKD3; Autosomal Recessive Polycystic Kidney Disease – PKHD1. Identifiers: MedGen C4540575, MONDO:0033004, OMIM 263200.
PKHD1-related disorder. Also called: PKHD1-related condition.
Autosomal recessive polycystic kidney disease (ARPKD). Also called: AR polycystic kidney disease. Identifiers: Orphanet 731, Orphanet 8378, MedGen C0085548, MeSH D017044, MONDO:0009889.

Allele frequency attached by ClinVar (database versions not stated): gnomAD 0.00001 and 0.00003; TOPMed 0.00006; ExAC 0.00007; ESP Exome Variant Server 0.00008; gnomAD exomes 0.00011.
gnomAD v4.1: 47 of 1,613,702 alleles (0.0029%); highest among the groups gnomAD compares: Admixed American, 0.03%; no homozygotes.

Submissions (5):

PreventionGenetics, part of Exact Sciences
Classification: Uncertain significance for PKHD1-related condition. Last evaluated: 2026-04-21. Review status: criteria provided, single submitter. Criteria: ACMG Guidelines, 2015. Collection method: clinical testing. Allele origin: germline.
Comment: The PKHD1 c.1847C>G variant is predicted to result in the amino acid substitution p.Ala616Gly. To our knowledge, this variant has not been reported in the literature. This variant is reported in 0.099% of alleles in individuals of Ashkenazi Jewish descent in gnomAD, which may be too common for a pathogenic variant. A different missense change affecting this amino acid has been reported in an individual with autosomal recessive polycystic kidney disease (p.Ala616Thr, Table S1, Bullich et al. 2018. PubMed ID: 29801666). At this time, the clinical significance of this variant is uncertain due to the absence of conclusive functional and genetic evidence.

Labcorp Genetics (formerly Invitae), Labcorp
Classification: Uncertain significance for Autosomal recessive polycystic kidney disease. Last evaluated: 2022-02-23. Review status: criteria provided, single submitter. Criteria: Invitae Variant Classification Sherloc (09022015). Collection method: clinical testing. Allele origin: germline.
Comment: This sequence change replaces alanine, which is neutral and non-polar, with glycine, which is neutral and non-polar, at codon 616 of the PKHD1 protein (p.Ala616Gly). This variant is present in population databases (rs145855006, gnomAD 0.1%). This variant has not been reported in the literature in individuals affected with PKHD1-related conditions. ClinVar contains an entry for this variant (Variation ID: 911359). Advanced modeling of protein sequence and biophysical properties (such as structural, functional, and spatial information, amino acid conservation, physicochemical variation, residue mobility, and thermodynamic stability) performed at Invitae indicates that this missense variant is expected to disrupt PKHD1 protein function. In summary, the available evidence is currently insufficient to determine the role of this variant in disease. Therefore, it has been classified as a Variant of Uncertain Significance.

Fulgent Genetics
Classification: Uncertain significance for Polycystic kidney disease 4. Last evaluated: 2021-10-01. Review status: criteria provided, single submitter. Criteria: ACMG Guidelines, 2015. Collection method: clinical testing. Allele origin: unknown.

Illumina Laboratory Services, Illumina
Classification: Uncertain significance for Polycystic kidney disease 4. Last evaluated: 2018-01-12. Review status: criteria provided, single submitter. Criteria: ICSL Variant Classification Criteria 13 December 2019. Collection method: clinical testing. Allele origin: germline.

Breakthrough Genomics
Classification: Uncertain significance. Review status: criteria provided, single submitter. Criteria: ACMG Guidelines, 2015. Collection method: not provided. Allele origin: germline. Inheritance: Autosomal recessive inheritance. Affected: yes.